The following is an entry in ClinVar:

NC_000002.11:g.(?_191068645)_(191184553_?)del

Gene: HIBCH (3-hydroxyisobutyryl-CoA hydrolase; minus strand). Cytogenetic location: 2q32.2.
Variant type: Deletion.
Identifiers: ClinVar variation 4537294 (VCV004537294.1).

ClinVar aggregate classification (germline): Pathogenic (1 of 4 stars; one submission).

Conditions:
3-hydroxyisobutyryl-CoA hydrolase deficiency. Also called: Reduced circulating 3-hydroxyisobutyryl-CoA hydrolase activity; Deficiency of 3-hydroxyisobutyryl CoA hydrolase; HIBCH DEFICIENCY; METHACRYLIC ACID TOXICITY; METHACRYLIC ACIDURIA; VALINE METABOLIC DEFECT. Identifiers: Orphanet 88639, MedGen C0342738, MONDO:0009603, OMIM 250620, HP:6000215.

Submission:

Women's Health and Genetics/Laboratory Corporation of America, LabCorp
Classification: Pathogenic for 3-hydroxyisobutyryl-CoA hydrolase deficiency. Last evaluated: 2025-11-20. Review status: criteria provided, single submitter. Criteria: LabCorp Variant Classification Summary - May 2015. Collection method: clinical testing. Allele origin: germline.
Comment: Variant summary: The variant involves the deletion of exons 1-14 in the HIBCH gene. A presumed nomenclature of c.(?_-77)_(*1198_?)del has been designated for the purposes of this classification. This deletion includes the entire coding sequence of the gene. As the exact proximal and distal breakpoints are unknown, it may extend beyond the annotated region of the gene to include other flanking genes. Loss-of-function variants in this gene are known to be pathogenic. The variant was absent in 21694 control chromosomes. To our knowledge, no occurrence of c.(?_-77)_(*1198_?)del in individuals affected with HIBCH-related conditions and no experimental evidence demonstrating its impact on protein function have been reported. No submitters have cited clinical-significance assessments for this variant to ClinVar. Based on the evidence outlined above, the variant was classified as pathogenic.